The following is an entry in ClinVar:

NM_005343.4(HRAS):c.479T>C (p.Val160Ala)

Genes: HRAS (HRas proto-oncogene, GTPase; minus strand), LRRC56 (leucine rich repeat containing 56; plus strand). Cytogenetic location: 11p15.5.
Variant type: single nucleotide variant.
Coding change: c.479T>C on transcript NM_005343.4 (MANE Select); coding-DNA position 479, T replaced by C.
Protein change: p.Val160Ala; replaces valine 160 with alanine.
Molecular consequence: missense variant. On other transcripts: 3 prime UTR variant (1).
Genome position (GRCh38, 1-based): chr11:532,727, A>G on the plus strand (T>C on the coding strand, the complement: HRAS is on the minus strand). VCF-style: chr11-532727-A-G. GRCh37 (hg19) VCF-style: chr11-532727-A-G.
Other names: c.479T>C, p.Val160Ala (NM_001130442.3); c.242T>C, p.Val81Ala (NM_001318054.2); c.*48T>C (NM_176795.5); short protein forms V160A, V81A.
Identifiers: ClinVar variation 1019983 (VCV001019983.11), dbSNP rs1851181776, ClinGen allele CA378921173.

ClinVar aggregate classification (germline): Uncertain significance. Review status: criteria provided, multiple submitters, no conflicts (2 of 4 stars). 2 submissions from 2 submitters: Uncertain significance (2). Last evaluated 2025-02-14.

Conditions:
Costello syndrome (CSTLO). Also called: HRAS-Related Costello Syndrome; FACIOCUTANEOSKELETAL SYNDROME; FCS SYNDROME. Identifiers: Orphanet 3071, MedGen C0587248, MONDO:0009026, OMIM 218040.

Submissions (2):

Dasa
Classification: Uncertain significance for Costello syndrome. Last evaluated: 2025-02-14. Review status: criteria provided, single submitter. Criteria: DASA Assertion Criteria. Collection method: clinical testing. Allele origin: germline.
Comment: NM_005343.4(HRAS):c.479T>C (p.Val160Ala) is a missense variant that results in the substitution of valine with alanine. This variant is absent from population databases. The currently available literature and clinical evidence are not sufficient to establish a definitive association between this variant and the reported condition. Therefore, this variant is classified as a variant of uncertain significance.

Labcorp Genetics (formerly Invitae), Labcorp
Classification: Uncertain significance for Costello syndrome. Last evaluated: 2020-09-08. Review status: criteria provided, single submitter. Criteria: Invitae Variant Classification Sherloc (09022015). Collection method: clinical testing. Allele origin: germline.
Comment: In summary, the available evidence is currently insufficient to determine the role of this variant in disease. Therefore, it has been classified as a Variant of Uncertain Significance. Advanced modeling of protein sequence and biophysical properties (such as structural, functional, and spatial information, amino acid conservation, physicochemical variation, residue mobility, and thermodynamic stability) performed at Invitae indicates that this missense variant is not expected to disrupt HRAS protein function. This variant has not been reported in the literature in individuals with HRAS-related conditions. This variant is not present in population databases (ExAC no frequency). This sequence change replaces valine with alanine at codon 160 of the HRAS protein (p.Val160Ala). The valine residue is highly conserved and there is a small physicochemical difference between valine and alanine.